The following is an entry in ClinVar:

NM_014336.5(AIPL1):c.465G>T (p.Gln155His)

Gene: AIPL1 (AIP like 1 HSP90 co-chaperone; minus strand). Cytogenetic location: 17p13.2.
Variant type: single nucleotide variant.
Coding change: c.465G>T on transcript NM_014336.5 (MANE Select); coding-DNA position 465, G replaced by T.
Protein change: p.Gln155His; replaces glutamine 155 with histidine.
Molecular consequence: missense variant. On other transcripts: intron variant (1).
Genome position (GRCh38, 1-based): chr17:6,428,318, C>A on the plus strand (G>T on the coding strand, the complement: AIPL1 is on the minus strand). VCF-style: chr17-6428318-C-A. GRCh37 (hg19) VCF-style: chr17-6331638-C-A.
Other names: NP_055151.3:p.(Gln155His); c.465G>T (NM_014336.3); c.285G>T, p.Gln95His (NM_001033055.3); c.429G>T, p.Gln143His (NM_001285399.3); c.399G>T, p.Gln133His (NM_001285400.3); c.465G>T, p.Gln155His (NM_001285401.3, NM_001285403.4); c.348G>T, p.Gln116His (NM_001285402.2); c.277-1261G>T (NM_001033054.3); short protein forms Q155H, Q116H, Q143H, Q95H, Q133H.
Identifiers: ClinVar variation 635994 (VCV000635994.9), dbSNP rs758001091, ClinGen allele CA8328509.
Genomic context (GRCh38, chr17:6,428,318, plus strand): 5'-TGCCCGCTGTCCCTCTCCAGTGCTGGCACAGCCCTCCAGCCCTGCCAACCCCAGCCCCAC[C>A]TGCAGCAGCTCGATCACAAAGACCAGAGGCTGAGGCTCCTTCTGCAGCTCGTCCAGGTCC-3'
Protein context (NP_055151.3, residues 145-165): QPLVFVIELL[Gln155His]VDAPSDYQRE

ClinVar aggregate classification (germline): Pathogenic/Likely pathogenic. Review status: criteria provided, multiple submitters, no conflicts (2 of 4 stars). 4 submissions from 4 submitters: Pathogenic (1); Likely pathogenic (2). 1 of the submissions does not count toward it. Last evaluated 2024-05-27.

Conditions:
Leber congenital amaurosis 4 (LCA4). Identifiers: MedGen C1858386, MONDO:0011458, OMIM 604393.
Retinal dystrophy. Also called: Inherited retinal dystrophy. Identifiers: Orphanet 71862, MedGen C0854723, MeSH D058499, MONDO:0019118, HP:0000556.
Leber congenital amaurosis (LCA). Also called: Leber's amaurosis. Identifiers: Orphanet 65, MedGen C0339527, MeSH D057130, MONDO:0018998.

Allele frequency attached by ClinVar (database versions not stated): gnomAD 0.00001 and below 0.00001; gnomAD exomes 0.00002 and 0.00001; ExAC 0.00002.
gnomAD v4.1: 20 of 1,607,332 alleles (0.0012%); highest among the groups gnomAD compares: South Asian, 0.022%; no homozygotes.

Submissions (4):

Ophthalmic Genetics Group, Institute of Molecular and Clinical Ophthalmology Basel
Classification: Likely pathogenic for Retinal dystrophy. Last evaluated: 2024-05-27. Review status: criteria provided, single submitter. Criteria: ACMG Guidelines, 2015. Collection method: research. Allele origin: germline. Affected: yes. Observed: 2 variant alleles.
Comment: This variant was classified as Likely pathogenic based on ACMG criteria: PM2_sup and PP5_strong and PP3_sup

Labcorp Genetics (formerly Invitae), Labcorp
Classification: Pathogenic for Leber congenital amaurosis 4. Last evaluated: 2023-11-27. Review status: criteria provided, single submitter. Criteria: Invitae Variant Classification Sherloc (09022015). Collection method: clinical testing. Allele origin: germline.
Comment: This sequence change replaces glutamine, which is neutral and polar, with histidine, which is basic and polar, at codon 155 of the AIPL1 protein (p.Gln155His). RNA analysis indicates that this missense change induces altered splicing and likely results in a shortened protein product. This variant is present in population databases (rs758001091, gnomAD 0.01%). This missense change has been observed in individual(s) with AIPL1-related conditions (PMID: 30718709). It has also been observed to segregate with disease in related individuals. This variant is also known as p.(H93_Q155del). ClinVar contains an entry for this variant (Variation ID: 635994). An algorithm developed to predict the effect of missense changes on protein structure and function (PolyPhen-2) suggests that this variant is likely to be disruptive. Variants that disrupt the consensus splice site are a relatively common cause of aberrant splicing (PMID: 17576681, 9536098). Studies have shown that this missense change results in skipping of exon 3, but is expected to preserve the integrity of the reading-frame (PMID: 26650897). For these reasons, this variant has been classified as Pathogenic.

Revvity Omics, Revvity
Classification: Likely pathogenic for Leber congenital amaurosis 4. Last evaluated: 2023-11-13. Review status: criteria provided, single submitter. Criteria: ACMG Guidelines, 2015. Collection method: clinical testing. Allele origin: germline.

Department of Clinical Genetics, Copenhagen University Hospital, Rigshospitalet
Classification: Uncertain significance for Leber congenital amaurosis. Last evaluated: 2018-04-01. Review status: no assertion criteria provided. Collection method: research. Allele origin: unknown. Affected: yes. Study: VeluxRD. Not counted in ClinVar's aggregate classification.

Literature cited by the submitters: PubMed 30718709 (cited by 3 submitters); PubMed 40180963 (cited by Ophthalmic Genetics Group, Institute of Molecular and Clinical Ophthalmology Basel); PubMed 17576681 (cited by Labcorp Genetics (formerly Invitae), Labcorp); PubMed 9536098 (cited by Labcorp Genetics (formerly Invitae), Labcorp); PubMed 26650897 (cited by Labcorp Genetics (formerly Invitae), Labcorp).